The following is an entry in ClinVar:

NM_000051.4(ATM):c.3857G>C (p.Cys1286Ser)

Gene: ATM (ATM serine/threonine kinase; plus strand). Cytogenetic location: 11q22.3.
Variant type: single nucleotide variant.
Coding change: c.3857G>C on transcript NM_000051.4 (MANE Select); coding-DNA position 3857, G replaced by C.
Protein change: p.Cys1286Ser; replaces cysteine 1286 with serine.
Molecular consequence: missense variant.
Genome position (GRCh38, 1-based): chr11:108,284,337, G>C. VCF-style: chr11-108284337-G-C. GRCh37 (hg19) VCF-style: chr11-108155064-G-C.
Other names: c.3857G>C, p.Cys1286Ser (NM_001351834.2); short protein forms C1286S.
Identifiers: ClinVar variation 1461363 (VCV001461363.9), dbSNP rs876660770, ClinGen allele CA382525238.

ClinVar aggregate classification (germline): Uncertain significance. Review status: criteria provided, multiple submitters, no conflicts (2 of 4 stars). 2 submissions from 2 submitters: Uncertain significance (2). Last evaluated 2025-04-03.

Conditions:
Hereditary cancer-predisposing syndrome. Also called: Neoplastic Syndromes, Hereditary; Hereditary Cancer Syndrome; Tumor predisposition; Hereditary neoplastic syndrome. Identifiers: Orphanet 140162, MedGen C0027672, MeSH D009386, MONDO:0015356.
Ataxia-telangiectasia syndrome (AT). Also called: Ataxia-telangiectasia, complementation group D; AT, COMPLEMENTATION GROUP C; Cerebello-oculocutaneous telangiectasia; Immunodeficiency with ataxia telangiectasia; Ataxia-telangiectasia, complementation group E; LOUIS-BAR SYNDROME. Identifiers: Orphanet 100, MedGen C0004135, MONDO:0008840, OMIM 208900.

Submissions (2):

Ambry Genetics
Classification: Uncertain significance for Hereditary cancer-predisposing syndrome. Last evaluated: 2025-04-03. Review status: criteria provided, single submitter. Criteria: Ambry Variant Classification Scheme 2023. Collection method: clinical testing. Allele origin: germline.
Comment: The p.C1286S variant (also known as c.3857G>C), located in coding exon 25 of the ATM gene, results from a G to C substitution at nucleotide position 3857. The cysteine at codon 1286 is replaced by serine, an amino acid with dissimilar properties. This amino acid position is conserved. In addition, the in silico prediction for this alteration is inconclusive. Based on the available evidence, the clinical significance of this variant remains unclear.

Labcorp Genetics (formerly Invitae), Labcorp
Classification: Uncertain significance for Ataxia-telangiectasia syndrome. Last evaluated: 2022-06-27. Review status: criteria provided, single submitter. Criteria: Invitae Variant Classification Sherloc (09022015). Collection method: clinical testing. Allele origin: germline.
Comment: In summary, the available evidence is currently insufficient to determine the role of this variant in disease. Therefore, it has been classified as a Variant of Uncertain Significance. Advanced modeling of protein sequence and biophysical properties (such as structural, functional, and spatial information, amino acid conservation, physicochemical variation, residue mobility, and thermodynamic stability) performed at Invitae indicates that this missense variant is not expected to disrupt ATM protein function. This variant has not been reported in the literature in individuals affected with ATM-related conditions. This variant is not present in population databases (gnomAD no frequency). This sequence change replaces cysteine, which is neutral and slightly polar, with serine, which is neutral and polar, at codon 1286 of the ATM protein (p.Cys1286Ser).